The following is an entry in ClinVar:

NM_003491.4(NAA10):c.295A>T (p.Ile99Leu)

Gene: NAA10 (N-alpha-acetyltransferase 10, NatA catalytic subunit; minus strand). Cytogenetic location: Xq28.
Variant type: single nucleotide variant.
Coding change: c.295A>T on transcript NM_003491.4 (MANE Select); coding-DNA position 295, A replaced by T.
Protein change: p.Ile99Leu; replaces isoleucine 99 with leucine.
Molecular consequence: missense variant.
Genome position (GRCh38, 1-based): chrX:153,932,362, T>A on the plus strand (A>T on the coding strand, the complement: NAA10 is on the minus strand). VCF-style: chrX-153932362-T-A. GRCh37 (hg19) VCF-style: chrX-153197815-T-A.
Other names: c.295A>T, p.Ile99Leu (NM_001256119.2); c.277A>T, p.Ile93Leu (NM_001256120.2); short protein forms I93L, I99L.
Identifiers: ClinVar variation 1396046 (VCV001396046.10), dbSNP rs2148535236, ClinGen allele CA415159246.

ClinVar aggregate classification (germline): Conflicting classifications of pathogenicity. Review status: criteria provided, conflicting classifications (1 of 4 stars). 2 submissions from 2 submitters: Likely pathogenic (1); Uncertain significance (1). Last evaluated 2024-05-29.

Conditions:
Ogden syndrome (OGDNS). Also called: N-TERMINAL ACETYLTRANSFERASE DEFICIENCY. Identifiers: Orphanet 276432, MedGen C3275447, MONDO:0010457, OMIM 300855.

Submissions (2):

Equipe Genetique des Anomalies du Developpement, Université de Bourgogne
Classification: Likely pathogenic for Ogden syndrome. Last evaluated: 2024-05-29. Review status: criteria provided, single submitter. Criteria: ACMG Guidelines, 2015. Collection method: clinical testing. Allele origin: de novo. Affected: yes.
Comment: This missense variant impacts a conserved amino acid and is localised in a protein domain (Acetyltransf_1). In silico prediction scores are discordant as to the pathogenic nature of the variation. This variant is absent from gnomAD (v4.1.0). The c.295A>T variant was previously reported in ClinVar with an uncertain significance (VCV001396046.6). Missense pathogenic variants in the NAA10 gene are associated with Ogden syndrome (OMIM #300855), an X-linked neurodevelopmental disorder with a variable phenotype (PMID: 30054457). According to the available evidence, this variant is classified as likely pathogenic.

Labcorp Genetics (formerly Invitae), Labcorp
Classification: Uncertain significance. Last evaluated: 2021-12-02. Review status: criteria provided, single submitter. Criteria: Invitae Variant Classification Sherloc (09022015). Collection method: clinical testing. Allele origin: germline.
Comment: This sequence change replaces isoleucine, which is neutral and non-polar, with leucine, which is neutral and non-polar, at codon 99 of the NAA10 protein (p.Ile99Leu). This variant is not present in population databases (gnomAD no frequency). This variant has not been reported in the literature in individuals affected with NAA10-related conditions. Algorithms developed to predict the effect of missense changes on protein structure and function (SIFT, PolyPhen-2, Align-GVGD) all suggest that this variant is likely to be tolerated. In summary, the available evidence is currently insufficient to determine the role of this variant in disease. Therefore, it has been classified as a Variant of Uncertain Significance.

Literature cited by the submitters: PubMed 30054457 (cited by Equipe Genetique des Anomalies du Developpement, Université de Bourgogne).